The following is an entry in ClinVar:

NM_001999.4(FBN2):c.2195A>G (p.Asn732Ser)

Gene: FBN2 (fibrillin 2; minus strand). Cytogenetic location: 5q23.3.
Variant type: single nucleotide variant.
Coding change: c.2195A>G on transcript NM_001999.4 (MANE Select); coding-DNA position 2195, A replaced by G.
Protein change: p.Asn732Ser; replaces asparagine 732 with serine.
Molecular consequence: missense variant.
Genome position (GRCh38, 1-based): chr5:128,369,235, T>C on the plus strand (A>G on the coding strand, the complement: FBN2 is on the minus strand). VCF-style: chr5-128369235-T-C. GRCh37 (hg19) VCF-style: chr5-127704928-T-C.
Other names: short protein forms N732S.
Identifiers: ClinVar variation 4871271 (VCV004871271.1).

ClinVar aggregate classification (germline): Uncertain significance (1 of 4 stars; one submission).

Conditions:
Familial thoracic aortic aneurysm and aortic dissection (TAAD). Also called: Thoracic aortic aneurysms and dissections. Identifiers: Orphanet 91387, MedGen C4707243, MONDO:0019625.

gnomAD v4.1: 1 of 1,613,990 alleles (0.000062%); highest among the groups gnomAD compares: African/African-American, 0.0013%; no homozygotes.

Submission:

Ambry Genetics
Classification: Uncertain significance for Familial thoracic aortic aneurysm and aortic dissection. Last evaluated: 2026-06-14. Review status: criteria provided, single submitter. Criteria: Ambry Variant Classification Scheme 2023. Collection method: clinical testing. Allele origin: germline.
Comment: The p.N732S variant (also known as c.2195A>G), located in coding exon 16 of the FBN2 gene, results from an A to G substitution at nucleotide position 2195. The asparagine at codon 732 is replaced by serine, an amino acid with highly similar properties. This amino acid position is conserved. In addition, this alteration is predicted to be tolerated by in silico analysis. Based on the available evidence, the clinical significance of this variant remains unclear.